The following is an entry in ClinVar:

NM_000095.3(COMP):c.2088-2_2088-1del

Gene: COMP (cartilage oligomeric matrix protein; minus strand). Cytogenetic location: 19p13.11.
Variant type: Deletion.
Coding change: c.2088-2_2088-1del on transcript NM_000095.3 (MANE Select); the canonical splice acceptor site of the intron before coding-DNA position 2088, 2 bases deleted (AG; older notation c.2088-2_2088-1delAG).
Molecular consequence: splice acceptor variant.
Genome position (GRCh38, 1-based): chr19:18,783,194-18,783,195, CT deleted on the plus strand (AG on the coding strand, the reverse complement: COMP is on the minus strand). VCF-style (leftmost placement, unchanged base first): chr19-18783193-CCT-C. GRCh37 (hg19) VCF-style: chr19-18894003-CCT-C.
Identifiers: ClinVar variation 1899949 (VCV001899949.5), dbSNP rs772854876, ClinGen allele CA9316173.
Genomic context (GRCh38, chr19:18,783,193, plus strand): 5'-GGTTGTGTCCAAGACCACGTTGCTGTCGGCCACCAGCTCAGGGCCCTCATAGAATCGCAC[CCT>C]GAGGGTCAGACATGGTGAGGCCTGGGGGACCTGGGCCAGACCCTTCCCTCTCAGAGCTTC-3'

ClinVar aggregate classification (germline): Uncertain significance (1 of 4 stars; one submission).

Allele frequency attached by ClinVar (database versions not stated): gnomAD exomes below 0.00001; TOPMed below 0.00001; ExAC 0.00001.

Submission:

Labcorp Genetics (formerly Invitae), Labcorp
Classification: Uncertain significance. Last evaluated: 2022-06-23. Review status: criteria provided, single submitter. Criteria: Invitae Variant Classification Sherloc (09022015). Collection method: clinical testing. Allele origin: germline.
Comment: Algorithms developed to predict the effect of sequence changes on RNA splicing suggest that this variant may disrupt the consensus splice site. This variant has not been reported in the literature in individuals affected with COMP-related conditions. This variant is present in population databases (rs772854876, gnomAD 0.007%). This sequence change affects a splice site in intron 17 of the COMP gene. It is expected to disrupt RNA splicing. Variants that disrupt the donor or acceptor splice site typically lead to a loss of protein function (PMID: 16199547), however the current clinical and genetic evidence is not sufficient to establish whether loss-of-function variants in COMP cause disease. In summary, the available evidence is currently insufficient to determine the role of this variant in disease. Therefore, it has been classified as a Variant of Uncertain Significance.

Literature cited by the submitters: PubMed 16199547.